The following is an entry in ClinVar:

ClinVar aggregate classification (germline): Conflicting classifications of pathogenicity. Review status: criteria provided, conflicting classifications (1 of 4 stars). 4 submissions from 4 submitters: Uncertain significance (1); Benign (1); Likely benign (1). 1 of the submissions does not count toward it. Last evaluated 2026-01-01.

Conditions:
ITGB2-related disorder. Also called: ITGB2-related condition.
Leukocyte adhesion deficiency 1 (LAD1). Also called: LEUKOCYTE ADHESION DEFICIENCY, TYPE I; LAD 1; Lymphocyte function-associated antigen 1 immunodeficiency; LFA 1 immunodeficiency. Identifiers: Orphanet 2968, Orphanet 99842, MedGen C0398738, MONDO:0007293, OMIM 116920.

Allele frequency attached by ClinVar (database versions not stated): TOPMed 0.00034; ESP Exome Variant Server 0.00054; 1000 Genomes Project 30x 0.00078; 1000 Genomes Project 0.00080; gnomAD 0.00218 and 0.00236; ExAC 0.00233; gnomAD exomes 0.00273.
gnomAD v4.1: 2,038 of 1,612,224 alleles (0.13%); highest among the groups gnomAD compares: Non-Finnish European, 0.045%; 16 homozygotes.

Submissions (4):

Labcorp Genetics (formerly Invitae), Labcorp
Classification: Benign for Leukocyte adhesion deficiency 1. Last evaluated: 2026-01-01. Review status: criteria provided, single submitter. Criteria: Invitae Variant Classification Sherloc (09022015). Collection method: clinical testing. Allele origin: germline.

Blueprint Genetics
Classification: Likely benign. Last evaluated: 2024-11-22. Review status: criteria provided, single submitter. Criteria: ACMG Guidelines, 2015. Collection method: clinical testing. Allele origin: germline.

Illumina Laboratory Services, Illumina
Classification: Uncertain significance for Leukocyte adhesion deficiency 1. Last evaluated: 2018-01-12. Review status: criteria provided, single submitter. Criteria: ICSL Variant Classification Criteria 13 December 2019. Collection method: clinical testing. Allele origin: germline.

PreventionGenetics, part of Exact Sciences
Classification: Benign for ITGB2-related condition. Last evaluated: 2019-09-20. Review status: no assertion criteria provided. Collection method: clinical testing. Allele origin: germline. Not counted in ClinVar's aggregate classification.
Comment: This variant is classified as benign based on ACMG/AMP sequence variant interpretation guidelines (Richards et al. 2015 PMID: 25741868, with internal and published modifications).

NM_000211.5(ITGB2):c.525C>T (p.Thr175=)

Gene: ITGB2 (integrin subunit beta 2; minus strand). Cytogenetic location: 21q22.3.
Variant type: single nucleotide variant.
Coding change: c.525C>T on transcript NM_000211.5 (MANE Select); coding-DNA position 525, C replaced by T.
Protein change: p.Thr175=; no amino-acid change (threonine 175 retained).
Molecular consequence: synonymous variant.
Genome position (GRCh38, 1-based): chr21:44,901,708, G>A on the plus strand (C>T on the coding strand, the complement: ITGB2 is on the minus strand). VCF-style: chr21-44901708-G-A. GRCh37 (hg19) VCF-style: chr21-46321623-G-A.
Other names: c.525C>T, p.Thr175= (NM_001127491.3); c.525C>T (LRG_76t1); c.318C>T, p.Thr106= (NM_001303238.2).
Identifiers: ClinVar variation 340171 (VCV000340171.19), dbSNP rs200134130, ClinGen allele CA10063171.